The following is an entry in ClinVar:

NM_001374353.1(GLI2):c.1798G>A (p.Glu600Lys)

Gene: GLI2 (GLI family zinc finger 2; plus strand). Cytogenetic location: 2q14.2.
Variant type: single nucleotide variant.
Coding change: c.1798G>A on transcript NM_001374353.1 (MANE Select); coding-DNA position 1798, G replaced by A.
Protein change: p.Glu600Lys; replaces glutamic acid 600 with lysine.
Molecular consequence: missense variant.
Genome position (GRCh38, 1-based): chr2:120,984,636, G>A. VCF-style: chr2-120984636-G-A. GRCh37 (hg19) VCF-style: chr2-121742212-G-A.
Other names: c.1849G>A, p.Glu617Lys (NM_001371271.1, NM_005270.5); c.1423G>A, p.Glu475Lys (NM_001374354.1); short protein forms E475K, E600K, E617K.
Identifiers: ClinVar variation 1486176 (VCV001486176.6), dbSNP rs2105071104, ClinGen allele CA348163228.

ClinVar aggregate classification (germline): Uncertain significance (1 of 4 stars; one submission).

Conditions:
Holoprosencephaly 9 (HPE9). Also called: HOLOPROSENCEPHALY WITH MICROPHTHALMIA AND FIRST BRANCHIAL ARCH ANOMALIES; PITUITARY ANOMALIES WITH HOLOPROSENCEPHALY-LIKE FEATURES. Identifiers: Orphanet 2162, MedGen C1835819, MONDO:0012563, OMIM 610829.
Postaxial polydactyly-anterior pituitary anomalies-facial dysmorphism syndrome. Also called: Culler-Jones syndrome. Identifiers: Orphanet 420584, MedGen C4014479, MONDO:0014369, OMIM 615849.

Allele frequency attached by ClinVar (database versions not stated): gnomAD exomes below 0.00001.
gnomAD v4.1: 1 of 1,614,174 alleles (0.000062%); highest among the groups gnomAD compares: Non-Finnish European, 0.000085%; no homozygotes.

Submission:

Labcorp Genetics (formerly Invitae), Labcorp
Classification: Uncertain significance for Postaxial polydactyly-anterior pituitary anomalies-facial dysmorphism syndrome; Holoprosencephaly 9. Last evaluated: 2021-09-10. Review status: criteria provided, single submitter. Criteria: Invitae Variant Classification Sherloc (09022015). Collection method: clinical testing. Allele origin: germline.
Comment: This variant has not been reported in the literature in individuals affected with GLI2-related conditions. This sequence change replaces glutamic acid with lysine at codon 617 of the GLI2 protein (p.Glu617Lys). The glutamic acid residue is highly conserved and there is a small physicochemical difference between glutamic acid and lysine. This variant is not present in population databases (ExAC no frequency). Algorithms developed to predict the effect of missense changes on protein structure and function are either unavailable or do not agree on the potential impact of this missense change (SIFT: "Deleterious"; PolyPhen-2: "Probably Damaging"; Align-GVGD: "Class C15"). In summary, the available evidence is currently insufficient to determine the role of this variant in disease. Therefore, it has been classified as a Variant of Uncertain Significance.